The following is an entry in ClinVar:

ClinVar aggregate classification (germline): Uncertain significance (1 of 4 stars; one submission).

Allele frequency attached by ClinVar (database versions not stated): TOPMed below 0.00001.
gnomAD v4.1: 12 of 1,610,972 alleles (0.00074%); highest among the groups gnomAD compares: Non-Finnish European, 0.001%; no homozygotes.

Submission:

Ambry Genetics
Classification: Uncertain significance. Last evaluated: 2023-07-27. Review status: criteria provided, single submitter. Criteria: Ambry Variant Classification Scheme 2023. Collection method: clinical testing. Allele origin: germline.
Comment: The p.K531T variant (also known as c.1592A>C), located in coding exon 14 of the RAD54L gene, results from an A to C substitution at nucleotide position 1592. The lysine at codon 531 is replaced by threonine, an amino acid with similar properties. This amino acid position is conserved. In addition, this alteration is predicted to be deleterious by in silico analysis. Since supporting evidence is limited at this time, the clinical significance of this alteration remains unclear.

NM_003579.4(RAD54L):c.1592A>C (p.Lys531Thr)

Gene: RAD54L (RAD54 like; plus strand). Cytogenetic location: 1p34.1.
Variant type: single nucleotide variant.
Coding change: c.1592A>C on transcript NM_003579.4 (MANE Select); coding-DNA position 1592, A replaced by C.
Protein change: p.Lys531Thr; replaces lysine 531 with threonine.
Molecular consequence: missense variant.
Genome position (GRCh38, 1-based): chr1:46,273,729, A>C. VCF-style: chr1-46273729-A-C. GRCh37 (hg19) VCF-style: chr1-46739401-A-C.
Other names: c.1592A>C, p.Lys531Thr (NM_001142548.2); c.1052A>C, p.Lys351Thr (NM_001370766.1); short protein forms K351T, K531T.
Identifiers: ClinVar variation 1775938 (VCV001775938.3), dbSNP rs1557708009, ClinGen allele CA340182743.